The following is an entry in ClinVar:

NM_013432.5(TONSL):c.1693C>T (p.Pro565Ser)

Genes: TONSL (tonsoku like, DNA repair protein; minus strand), TONSL-AS1 (TONSL antisense RNA 1; plus strand). Cytogenetic location: 8q24.3.
Variant type: single nucleotide variant.
Coding change: c.1693C>T on transcript NM_013432.5 (MANE Select); coding-DNA position 1693, C replaced by T.
Protein change: p.Pro565Ser; replaces proline 565 with serine.
Molecular consequence: missense variant.
Genome position (GRCh38, 1-based): chr8:144,437,060, G>A on the plus strand (C>T on the coding strand, the complement: TONSL is on the minus strand). VCF-style: chr8-144437060-G-A. GRCh37 (hg19) VCF-style: chr8-145662443-G-A.
Other names: c.1693C>T (NM_013432.4); short protein forms P565S.
Identifiers: ClinVar variation 2070084 (VCV002070084.3), dbSNP rs147880958, ClinGen allele CA4943103.

ClinVar aggregate classification (germline): Uncertain significance. Review status: criteria provided, multiple submitters, no conflicts (2 of 4 stars). 2 submissions from 2 submitters: Uncertain significance (2). Last evaluated 2025-12-09.

Conditions:
Inborn genetic diseases. Identifiers: MedGen C0950123, MeSH D030342.

Allele frequency attached by ClinVar (database versions not stated): ExAC 0.00011; TOPMed 0.00020; gnomAD 0.00021; ESP Exome Variant Server 0.00023.
gnomAD v4.1: 51 of 1,613,100 alleles (0.0032%); highest among the groups gnomAD compares: African/African-American, 0.061%; no homozygotes.

Submissions (2):

Labcorp Genetics (formerly Invitae), Labcorp
Classification: Uncertain significance. Last evaluated: 2025-12-09. Review status: criteria provided, single submitter. Criteria: Invitae Variant Classification Sherloc (09022015). Collection method: clinical testing. Allele origin: germline.
Comment: This sequence change replaces proline, which is neutral and non-polar, with serine, which is neutral and polar, at codon 565 of the TONSL protein (p.Pro565Ser). This variant is present in population databases (rs147880958, gnomAD 0.08%). This variant has not been reported in the literature in individuals affected with TONSL-related conditions. ClinVar contains an entry for this variant (Variation ID: 2070084). Invitae Evidence Modeling of protein sequence and biophysical properties (such as structural, functional, and spatial information, amino acid conservation, physicochemical variation, residue mobility, and thermodynamic stability) indicates that this missense variant is expected to disrupt TONSL protein function with a positive predictive value of 80%. In summary, the available evidence is currently insufficient to determine the role of this variant in disease. Therefore, it has been classified as a Variant of Uncertain Significance.

Ambry Genetics
Classification: Uncertain significance for Inborn genetic diseases. Last evaluated: 2024-06-11. Review status: criteria provided, single submitter. Criteria: Ambry Variant Classification Scheme 2023. Collection method: clinical testing. Allele origin: germline.